The following is an entry in ClinVar:

ClinVar aggregate classification (germline): Uncertain significance (1 of 4 stars; one submission).

Conditions:
Hereditary cancer-predisposing syndrome. Also called: Hereditary neoplastic syndrome; Neoplastic Syndromes, Hereditary; Tumor predisposition; Hereditary Cancer Syndrome. Identifiers: Orphanet 140162, MedGen C0027672, MeSH D009386, MONDO:0015356.

Submission:

Ambry Genetics
Classification: Uncertain significance for Hereditary cancer-predisposing syndrome. Last evaluated: 2020-11-13. Review status: criteria provided, single submitter. Criteria: Ambry Variant Classification Scheme 2023. Collection method: clinical testing. Allele origin: germline.
Comment: The p.A44S variant (also known as c.130G>T), located in coding exon 1 of the CDKN2A gene, results from a G to T substitution at nucleotide position 130. The alanine at codon 44 is replaced by serine, an amino acid with similar properties. This amino acid position is well conserved in available vertebrate species. In addition, this alteration is predicted to be tolerated by in silico analysis. Since supporting evidence is limited at this time, the clinical significance of this alteration remains unclear.

NM_058195.4(CDKN2A):c.130G>T (p.Ala44Ser)

Gene: CDKN2A (cyclin dependent kinase inhibitor 2A; minus strand). Cytogenetic location: 9p21.3.
Variant type: single nucleotide variant.
Coding change: c.130G>T on transcript NM_058195.4 (MANE Plus Clinical); coding-DNA position 130, G replaced by T.
Protein change: p.Ala44Ser; replaces alanine 44 with serine.
Molecular consequence: missense variant. On other transcripts: intron variant (1).
Genome position (GRCh38, 1-based): chr9:21,994,202, C>A on the plus strand (G>T on the coding strand, the complement: CDKN2A is on the minus strand). VCF-style: chr9-21994202-C-A. GRCh37 (hg19) VCF-style: chr9-21994201-C-A.
Other names: c.-4+619G>T (NM_001363763.2); short protein forms A44S.
Identifiers: ClinVar variation 1769636 (VCV001769636.2), dbSNP rs2489327173, ClinGen allele CA373086887.